The following is an entry in ClinVar:

NM_001277115.2(DNAH11):c.4667T>C (p.Ile1556Thr)

Gene: DNAH11 (dynein axonemal heavy chain 11; plus strand). Cytogenetic location: 7p15.3.
Variant type: single nucleotide variant.
Coding change: c.4667T>C on transcript NM_001277115.2 (MANE Select); coding-DNA position 4667, T replaced by C.
Protein change: p.Ile1556Thr; replaces isoleucine 1556 with threonine.
Molecular consequence: missense variant.
Genome position (GRCh38, 1-based): chr7:21,636,037, T>C. VCF-style: chr7-21636037-T-C. GRCh37 (hg19) VCF-style: chr7-21675655-T-C.
Other names: short protein forms I1556T.
Identifiers: ClinVar variation 1383360 (VCV001383360.11), dbSNP rs370239008, ClinGen allele CA4180120.

ClinVar aggregate classification (germline): Conflicting classifications of pathogenicity. Review status: criteria provided, conflicting classifications (1 of 4 stars). 4 submissions from 4 submitters: Uncertain significance (3); Benign (1). Last evaluated 2026-09-14.

Conditions:
Primary ciliary dyskinesia. Also called: Ciliary dyskinesia. Identifiers: Orphanet 244, MedGen C0008780, MONDO:0016575, HP:0012265.

Allele frequency attached by ClinVar (database versions not stated): gnomAD exomes 0.00001 and 0.00003; ExAC 0.00004; gnomAD 0.00007 and 0.00009; ESP Exome Variant Server 0.00017; TOPMed 0.00005.
gnomAD v4.1: 23 of 1,613,530 alleles (0.0014%); highest among the groups gnomAD compares: African/African-American, 0.024%; no homozygotes.

Submissions (4):

GeneDx
Classification: Uncertain significance. Last evaluated: 2026-09-14. Review status: criteria provided, single submitter. Criteria: GeneDx Variant Classification Process June 2021. Collection method: clinical testing. Allele origin: germline.
Comment: In silico analysis supports that this missense variant has a deleterious effect on protein structure/function; Has not been previously published as pathogenic or benign to our knowledge

Molecular Genetics McLendon Clinical Laboratories, University of North Carolina at Chapel Hill
Classification: Uncertain significance for Primary ciliary dyskinesia. Last evaluated: 2025-05-12. Review status: criteria provided, single submitter. Criteria: ACMG Guidelines, 2015. Collection method: clinical testing. Allele origin: germline.

Ambry Genetics
Classification: Uncertain significance for Primary ciliary dyskinesia. Last evaluated: 2024-10-04. Review status: criteria provided, single submitter. Criteria: Ambry Variant Classification Scheme 2023. Collection method: clinical testing. Allele origin: germline.
Comment: The p.I1556T variant (also known as c.4667T>C), located in coding exon 26 of the DNAH11 gene, results from a T to C substitution at nucleotide position 4667. The isoleucine at codon 1556 is replaced by threonine, an amino acid with similar properties. This amino acid position is conserved. In addition, this alteration is predicted to be deleterious by in silico analysis. Based on the available evidence, the clinical significance of this variant remains unclear.

Labcorp Genetics (formerly Invitae), Labcorp
Classification: Benign for Primary ciliary dyskinesia. Last evaluated: 2023-11-09. Review status: criteria provided, single submitter. Criteria: Invitae Variant Classification Sherloc (09022015). Collection method: clinical testing. Allele origin: germline.